The following is an entry in ClinVar:

NM_004999.4(MYO6):c.1357G>A (p.Gly453Arg)

Gene: MYO6 (myosin VI; plus strand). Cytogenetic location: 6q14.1.
Variant type: single nucleotide variant.
Coding change: c.1357G>A on transcript NM_004999.4 (MANE Select); coding-DNA position 1357, G replaced by A.
Protein change: p.Gly453Arg; replaces glycine 453 with arginine.
Molecular consequence: missense variant. On other transcripts: non-coding transcript variant (1).
Genome position (GRCh38, 1-based): chr6:75,857,230, G>A. VCF-style: chr6-75857230-G-A. GRCh37 (hg19) VCF-style: chr6-76566947-G-A.
Other names: c.1357G>A, p.Gly453Arg (NM_001300899.2, NM_001368136.1, NM_001368137.1 and 2 more transcripts); c.1342G>A, p.Gly448Arg (NM_001368138.1); c.1357G>A (NM_004999.3); short protein forms G448R, G453R.
Identifiers: ClinVar variation 4879225 (VCV004879225.2).

ClinVar aggregate classification (germline): Uncertain significance. Review status: criteria provided, multiple submitters, no conflicts (2 of 4 stars). 2 submissions from 2 submitters: Uncertain significance (2). Last evaluated 2026-01-26.

Conditions:
Autosomal dominant nonsyndromic hearing loss 22. Also called: Autosomal dominant nonsyndromic deafness 22; DFNA 22. Identifiers: Orphanet 228012, MedGen C2931767, MONDO:0011660, OMIM 606346.
Autosomal recessive nonsyndromic hearing loss 37. Identifiers: Orphanet 90636, MedGen C1843028, MONDO:0011912, OMIM 607821.
MYO6-related disorder. Also called: MYO6-related condition; MYO6-related disorders.

Submissions (2):

Clinical Genomics Laboratory, Washington University in St. Louis
Classification: Uncertain significance for Autosomal dominant nonsyndromic hearing loss 22; Autosomal recessive nonsyndromic hearing loss 37. Last evaluated: 2026-01-26. Review status: criteria provided, single submitter. Criteria: ACMG Guidelines, 2015. Collection method: clinical testing. Allele origin: germline.
Comment: The MYO6 c.1357G>A (p.Gly453Arg) variant, to our knowledge, has not been reported in the medical literature. This variant is absent from the general population (gnomAD v2.1.1), indicating it is not a common variant. Computational predictors indicate that the variant is damaging, evidence that correlates with impact on MYO6 function. Due to limited information, and based on the ClinGen Hearing Loss Expert Panel Specifications to the ACMG/AMP Variant Interpretation Guidelines for CDH23, COCH, GJB2, KCNQ4, MYO6, MYO7A, SLC26A4, TECTA, and USH2A Version 2, the clinical significance of this variant is uncertain at this time.

PreventionGenetics, part of Exact Sciences
Classification: Uncertain significance for MYO6-related condition. Last evaluated: 2025-09-20. Review status: criteria provided, single submitter. Criteria: ACMG Guidelines, 2015. Collection method: clinical testing. Allele origin: germline.
Comment: The MYO6 c.1357G>A variant is predicted to result in the amino acid substitution p.Gly453Arg. To our knowledge, this variant has not been reported in the literature or in a large population database (gnomAD), indicating this variant is rare. At this time, the clinical significance of this variant is uncertain due to the absence of conclusive functional and genetic evidence.